The following is an entry in ClinVar:

ClinVar aggregate classification (germline): Uncertain significance (1 of 4 stars; one submission).

Conditions:
Baller-Gerold syndrome (BGS). Also called: CRANIOSYNOSTOSIS WITH RADIAL DEFECTS. Identifiers: Orphanet 1225, MedGen C0265308, MONDO:0009039, OMIM 218600.

Submission:

Labcorp Genetics (formerly Invitae), Labcorp
Classification: Uncertain significance for Baller-Gerold syndrome. Last evaluated: 2023-03-26. Review status: criteria provided, single submitter. Criteria: Invitae Variant Classification Sherloc (09022015). Collection method: clinical testing. Allele origin: germline.
Comment: This variant has not been reported in the literature in individuals affected with RECQL4-related conditions. In summary, the available evidence is currently insufficient to determine the role of this variant in disease. Therefore, it has been classified as a Variant of Uncertain Significance. Algorithms developed to predict the effect of sequence changes on RNA splicing suggest that this variant may create or strengthen a splice site. Advanced modeling of protein sequence and biophysical properties (such as structural, functional, and spatial information, amino acid conservation, physicochemical variation, residue mobility, and thermodynamic stability) performed at Invitae indicates that this missense variant is not expected to disrupt RECQL4 protein function. ClinVar contains an entry for this variant (Variation ID: 1972938). This variant is not present in population databases (gnomAD no frequency). This sequence change replaces glutamine, which is neutral and polar, with glutamic acid, which is acidic and polar, at codon 438 of the RECQL4 protein (p.Gln438Glu).

NM_004260.4(RECQL4):c.1312C>G (p.Gln438Glu)

Gene: RECQL4 (RecQ like helicase 4; minus strand). Cytogenetic location: 8q24.3.
Variant type: single nucleotide variant.
Coding change: c.1312C>G on transcript NM_004260.4 (MANE Select); coding-DNA position 1312, C replaced by G.
Protein change: p.Gln438Glu; replaces glutamine 438 with glutamic acid.
Molecular consequence: missense variant.
Genome position (GRCh38, 1-based): chr8:144,515,404, G>C on the plus strand (C>G on the coding strand, the complement: RECQL4 is on the minus strand). VCF-style: chr8-144515404-G-C. GRCh37 (hg19) VCF-style: chr8-145740788-G-C.
Other names: c.1216C>G, p.Gln406Glu (NM_001413017.1, NM_001413020.1); c.1312C>G, p.Gln438Glu (NM_001413018.1, NM_001413019.1, NM_001413033.1 and 2 more transcripts); c.241C>G, p.Gln81Glu (NM_001413021.1, NM_001413022.1, NM_001413023.1 and 8 more transcripts); c.1183C>G, p.Gln395Glu (NM_001413025.1); c.175C>G, p.Gln59Glu (NM_001413027.1, NM_001413030.1, NM_001413031.1 and 2 more transcripts); c.961C>G, p.Gln321Glu (NM_001413029.1); c.-156C>G (NM_001413043.1); short protein forms Q321E, Q59E, Q406E, Q395E, Q438E, Q81E.
Identifiers: ClinVar variation 1972938 (VCV001972938.5), dbSNP rs2538064567, ClinGen allele CA372685744.